The following is an entry in ClinVar:

NM_000360.4(TH):c.1034C>T (p.Ala345Val)

Gene: TH (tyrosine hydroxylase; minus strand). Cytogenetic location: 11p15.5.
Variant type: single nucleotide variant.
Coding change: c.1034C>T on transcript NM_000360.4 (MANE Select); coding-DNA position 1034, C replaced by T.
Protein change: p.Ala345Val; replaces alanine 345 with valine.
Molecular consequence: missense variant.
Genome position (GRCh38, 1-based): chr11:2,166,493, G>A on the plus strand (C>T on the coding strand, the complement: TH is on the minus strand). VCF-style: chr11-2166493-G-A. GRCh37 (hg19) VCF-style: chr11-2187723-G-A.
Other names: c.1046C>T, p.Ala349Val (NM_001440535.1); c.764C>T, p.Ala255Val (NM_001440536.1); c.752C>T, p.Ala251Val (NM_001440537.1); c.1127C>T, p.Ala376Val (NM_199292.3); c.1115C>T, p.Ala372Val (NM_199293.3); short protein forms A251V, A255V, A345V, A349V, A372V, A376V.
Identifiers: ClinVar variation 4817041 (VCV004817041.1).

ClinVar aggregate classification (germline): Likely pathogenic (1 of 4 stars; one submission).

Conditions:
TH-deficient dopa-responsive dystonia. Also called: Tyrosine Hydroxylase-Deficient Dopa-Responsive Dystonia; Segawa syndrome, autosomal recessive; DYT-TH. Identifiers: Orphanet 101150, MedGen C2673535, MONDO:0011551, OMIM 605407.

Submission:

Natera, Inc.
Classification: Likely pathogenic for Autosomal recessive Segawa syndrome. Last evaluated: 2025-10-13. Review status: criteria provided, single submitter. Criteria: Natera Variant Classification Schema (03/2026). Collection method: clinical testing. Allele origin: germline.
Comment: The c.1127C>T variant in TH is a missense variant predicted to cause substitution of alanine to valine at amino acid 376. This variant is rare in the general population with a frequency below the threshold expected for the associated phenotype(s). This variant has been observed in one or more individuals affected with the associated recessive disease, as either homozygous or compound heterozygous with a second variant (PMID: 15505183). Additionally, this variant has been observed to segregate in affected family members (PMID: 15505183). Computational prediction algorithms indicate this variant is likely to affect gene or protein function. Given the available evidence, this variant is classified as Likely Pathogenic.

Literature cited by the submitters: PubMed 15505183.